The following is an entry in ClinVar:

ClinVar aggregate classification (germline): Pathogenic (1 of 4 stars; one submission).

Conditions:
Cornelia de Lange syndrome 1 (CDLS1). Also called: TYPUS DEGENERATIVUS AMSTELODAMENSIS; NIPBL-Related Cornelia de Lange Syndrome; Brachmann de Lange syndrome. Identifiers: Orphanet 199, MedGen C4551851, MONDO:0007387, OMIM 122470.

Submission:

Labcorp Genetics (formerly Invitae), Labcorp
Classification: Pathogenic for Cornelia de Lange syndrome 1. Last evaluated: 2021-02-10. Review status: criteria provided, single submitter. Criteria: Invitae Variant Classification Sherloc (09022015). Collection method: clinical testing. Allele origin: germline.
Comment: For these reasons, this variant has been classified as Pathogenic. Algorithms developed to predict the effect of sequence changes on RNA splicing suggest that this variant may create or strengthen a splice site, but this prediction has not been confirmed by published transcriptional studies. This variant has not been reported in the literature in individuals with NIPBL-related conditions. This variant is not present in population databases (ExAC no frequency). This sequence change creates a premature translational stop signal (p.Val1502Trpfs*88) in the NIPBL gene. It is expected to result in an absent or disrupted protein product. Loss-of-function variants in NIPBL are known to be pathogenic (PMID: 15318302, 19763162, 23505322, 29995837).

Literature cited by the submitters: PubMed 15318302; PubMed 19763162; PubMed 23505322; PubMed 29995837.

NM_133433.4(NIPBL):c.4502_4503dup (p.Val1502fs)

Gene: NIPBL (NIPBL cohesin loading factor; plus strand). Cytogenetic location: 5p13.2.
Variant type: Microsatellite.
Coding change: c.4502_4503dup on transcript NM_133433.4 (MANE Select); coding-DNA positions 4502 to 4503, 2 bases duplicated (TG; older notation c.4502_4503dupTG).
Protein change: p.Val1502fs; shifts the reading frame from valine 1502.
Molecular consequence: frameshift variant.
Genome position (GRCh38, 1-based): chr5:37,010,167-37,010,168, TG duplicated; duplicating any 2 consecutive bases within chr5:37,010,162-37,010,168 gives the same sequence; the c. name uses the placement nearest the transcript's 3' end. VCF-style (leftmost placement, unchanged base first): chr5-37010161-A-AGT. GRCh37 (hg19) VCF-style: chr5-37010263-A-AGT.
Other names: c.4502_4503dup, p.Val1502fs (NM_015384.5); short protein forms V1502fs.
Identifiers: ClinVar variation 1390979 (VCV001390979.6), dbSNP rs2149681475, ClinGen allele CA2580613548.
Genomic context (GRCh38, chr5:37,010,161, plus strand): 5'-ATATGGATGGAGAACCTATGTATATTCAGATGGTTACAGCACTGGTTTTACAACTTATTC[A>AGT]GTGTGTGGTACACTTACCATCATCAGAGAAGGACTCTAATGCAGAAGAAGATTCAAATAA-3'